The following is an entry in ClinVar:

NM_001364564.1(SALL2):c.2052T>C (p.Ala684=)

Gene: SALL2 (spalt like transcription factor 2; minus strand). Cytogenetic location: 14q11.2.
Variant type: single nucleotide variant.
Coding change: c.2052T>C on transcript NM_001364564.1 (MANE Select); coding-DNA position 2052, T replaced by C.
Protein change: p.Ala684=; no amino-acid change (alanine 684 retained).
Molecular consequence: synonymous variant.
Genome position (GRCh38, 1-based): chr14:21,523,670, A>G on the plus strand (T>C on the coding strand, the complement: SALL2 is on the minus strand). VCF-style: chr14-21523670-A-G. GRCh37 (hg19) VCF-style: chr14-21991804-A-G.
Other names: c.1653T>C, p.Ala551= (NM_001291446.2); c.1647T>C, p.Ala549= (NM_001291447.2); c.2058T>C, p.Ala686= (NM_005407.3).
Identifiers: ClinVar variation 784279 (VCV000784279.11), dbSNP rs61743030, ClinGen allele CA7093564.

ClinVar aggregate classification (germline): Benign. Review status: criteria provided, multiple submitters, no conflicts (2 of 4 stars). 3 submissions from 3 submitters: Benign (3). Last evaluated 2026-06-05.

Conditions:
SALL2-related disorder. Also called: SALL2-related condition.

Allele frequency attached by ClinVar (database versions not stated): gnomAD exomes 0.00191; ExAC 0.00237; 1000 Genomes Project 0.00699; TOPMed 0.00740; gnomAD 0.00755; 1000 Genomes Project 30x 0.00781; ESP Exome Variant Server 0.00861.
gnomAD v4.1: 2,214 of 1,614,210 alleles (0.14%); highest among the groups gnomAD compares: African/African-American, 2.5%; 27 homozygotes.

Submissions (3):

PreventionGenetics, part of Exact Sciences
Classification: Benign for SALL2-related condition. Last evaluated: 2026-06-05. Review status: criteria provided, single submitter. Criteria: ACMG Guidelines, 2015. Collection method: clinical testing. Allele origin: germline.
Comment: This variant is classified as benign based on ACMG/AMP sequence variant interpretation guidelines (Richards et al. 2015 PMID: 25741868, with internal and published modifications).

Labcorp Genetics (formerly Invitae), Labcorp
Classification: Benign. Last evaluated: 2025-01-23. Review status: criteria provided, single submitter. Criteria: Invitae Variant Classification Sherloc (09022015). Collection method: clinical testing. Allele origin: germline.

Breakthrough Genomics
Classification: Benign. Review status: criteria provided, single submitter. Criteria: ACMG Guidelines, 2015. Collection method: not provided. Allele origin: germline. Inheritance: Autosomal recessive inheritance. Affected: yes.